The following is an entry in ClinVar:

NM_004187.5(KDM5C):c.1682C>G (p.Pro561Arg)

Gene: KDM5C (lysine demethylase 5C; minus strand). Cytogenetic location: Xp11.22.
Variant type: single nucleotide variant.
Coding change: c.1682C>G on transcript NM_004187.5 (MANE Select); coding-DNA position 1682, C replaced by G.
Protein change: p.Pro561Arg; replaces proline 561 with arginine.
Molecular consequence: missense variant. On other transcripts: non-coding transcript variant (3).
Genome position (GRCh38, 1-based): chrX:53,210,478, G>C on the plus strand (C>G on the coding strand, the complement: KDM5C is on the minus strand). VCF-style: chrX-53210478-G-C. GRCh37 (hg19) VCF-style: chrX-53239660-G-C.
Other names: c.1481C>G, p.Pro494Arg (NM_001146702.2); c.1679C>G, p.Pro560Arg (NM_001282622.3, NM_001353979.2, NM_001353982.2); c.1682C>G, p.Pro561Arg (NM_001353978.3, NM_001353981.2, NM_001353984.2); short protein forms P560R, P494R, P561R.
Identifiers: ClinVar variation 3720425 (VCV003720425.2).
Genomic context (GRCh38, chrX:53,210,478, plus strand): 5'-ACACCATGGGACATGAGGGTGTTGGGATTCATGAGGGTGACAAGTTGGTGCAGGAGGTCA[G>C]GCTGGCTATCAAATAGTTCAGGTGTCAGCTTCTTCATCACTTCTTCCAAATGTTCTGCTG-3'
Protein context (NP_004178.2, residues 551-571): KLTPELFDSQ[Pro561Arg]DLLHQLVTLM

ClinVar aggregate classification (germline): Uncertain significance (1 of 4 stars; one submission).

Conditions:
Spastic paraplegia. Identifiers: MedGen C0037772, HP:0001258.

Submission:

Labcorp Genetics (formerly Invitae), Labcorp
Classification: Uncertain significance for Spastic paraplegia. Last evaluated: 2025-02-23. Review status: criteria provided, single submitter. Criteria: Invitae Variant Classification Sherloc (09022015). Collection method: clinical testing. Allele origin: germline.
Comment: This sequence change replaces proline, which is neutral and non-polar, with arginine, which is basic and polar, at codon 561 of the KDM5C protein (p.Pro561Arg). This variant is not present in population databases (gnomAD no frequency). This variant has not been reported in the literature in individuals affected with KDM5C-related conditions. Invitae Evidence Modeling of protein sequence and biophysical properties (such as structural, functional, and spatial information, amino acid conservation, physicochemical variation, residue mobility, and thermodynamic stability) indicates that this missense variant is expected to disrupt KDM5C protein function with a positive predictive value of 95%. In summary, the available evidence is currently insufficient to determine the role of this variant in disease. Therefore, it has been classified as a Variant of Uncertain Significance.